The following is an entry in ClinVar:

ClinVar aggregate classification (germline): Uncertain significance. Review status: criteria provided, multiple submitters, no conflicts (2 of 4 stars). 2 submissions from 2 submitters: Uncertain significance (2). Last evaluated 2025-10-22.

Conditions:
Hereditary cancer-predisposing syndrome. Also called: Tumor predisposition; Neoplastic Syndromes, Hereditary; Hereditary Cancer Syndrome; Hereditary neoplastic syndrome. Identifiers: Orphanet 140162, MedGen C0027672, MeSH D009386, MONDO:0015356.
Neurofibromatosis, type 2 (SWNV). Also called: NF2-Related Schwannomatosis; SCHWANNOMATOSIS, VESTIBULAR; BILATERAL ACOUSTIC NEUROFIBROMATOSIS. Identifiers: Orphanet 637, MedGen C0027832, MONDO:0007039, OMIM 101000. Disease mechanism: loss of function.

Allele frequency attached by ClinVar (database versions not stated): gnomAD exomes below 0.00001.
gnomAD v4.1: 1 of 1,614,176 alleles (0.000062%); highest among the groups gnomAD compares: South Asian, 0.0011%; no homozygotes.

Submissions (2):

Labcorp Genetics (formerly Invitae), Labcorp
Classification: Uncertain significance for Neurofibromatosis, type 2. Last evaluated: 2025-10-22. Review status: criteria provided, single submitter. Criteria: Invitae Variant Classification Sherloc (09022015). Collection method: clinical testing. Allele origin: germline.
Comment: This sequence change replaces aspartic acid, which is acidic and polar, with histidine, which is basic and polar, at codon 83 of the NF2 protein (p.Asp83His). This variant is not present in population databases (gnomAD no frequency). This variant has not been reported in the literature in individuals affected with NF2-related conditions. ClinVar contains an entry for this variant (Variation ID: 1791901). Invitae Evidence Modeling of protein sequence and biophysical properties (such as structural, functional, and spatial information, amino acid conservation, physicochemical variation, residue mobility, and thermodynamic stability) indicates that this missense variant is not expected to disrupt NF2 protein function with a negative predictive value of 80%. In summary, the available evidence is currently insufficient to determine the role of this variant in disease. Therefore, it has been classified as a Variant of Uncertain Significance.

Ambry Genetics
Classification: Uncertain significance for Hereditary cancer-predisposing syndrome. Last evaluated: 2022-09-24. Review status: criteria provided, single submitter. Criteria: Ambry Variant Classification Scheme 2023. Collection method: clinical testing. Allele origin: germline.
Comment: The p.D83H variant (also known as c.247G>C), located in coding exon 3 of the NF2 gene, results from a G to C substitution at nucleotide position 247. The aspartic acid at codon 83 is replaced by histidine, an amino acid with similar properties. This amino acid position is conserved. In addition, this alteration is predicted to be deleterious by in silico analysis. Since supporting evidence is limited at this time, the clinical significance of this alteration remains unclear.

NM_000268.4(NF2):c.247G>C (p.Asp83His)

Gene: NF2 (NF2, moesin-ezrin-radixin like (MERLIN) tumor suppressor; plus strand). Cytogenetic location: 22q12.2.
Variant type: single nucleotide variant.
Coding change: c.247G>C on transcript NM_000268.4 (MANE Select); coding-DNA position 247, G replaced by C.
Protein change: p.Asp83His; replaces aspartic acid 83 with histidine.
Molecular consequence: missense variant. On other transcripts: non-coding transcript variant (1), intron variant (3).
Genome position (GRCh38, 1-based): chr22:29,639,096, G>C. VCF-style: chr22-29639096-G-C. GRCh37 (hg19) VCF-style: chr22-30035085-G-C.
Other names: c.247G>C, p.Asp83His (NM_001407059.1, NM_001407060.1, NM_001407066.1 and 5 more transcripts); c.-394G>C (NM_001407065.1); c.16G>C, p.Asp6His (NM_001407067.1); c.121G>C, p.Asp41His (NM_181828.3, NM_001407055.1); c.240+2220G>C (NM_181829.3); c.115-3106G>C (NM_181830.3, NM_181831.3); c.133G>C, p.Asp45His (NM_001407053.1, NM_001407056.1); short protein forms D41H, D6H, D45H, D83H.
Identifiers: ClinVar variation 1791901 (VCV001791901.3), dbSNP rs2146869670, ClinGen allele CA411152984.